The following is an entry in ClinVar:

NM_006445.4(PRPF8):c.3018C>T (p.Ala1006=)

Gene: PRPF8 (pre-mRNA processing factor 8; minus strand). Cytogenetic location: 17p13.3.
Variant type: single nucleotide variant.
Coding change: c.3018C>T on transcript NM_006445.4 (MANE Select); coding-DNA position 3018, C replaced by T.
Protein change: p.Ala1006=; no amino-acid change (alanine 1006 retained).
Molecular consequence: synonymous variant.
Genome position (GRCh38, 1-based): chr17:1,675,194, G>A on the plus strand (C>T on the coding strand, the complement: PRPF8 is on the minus strand). VCF-style: chr17-1675194-G-A. GRCh37 (hg19) VCF-style: chr17-1578488-G-A.
Identifiers: ClinVar variation 731891 (VCV000731891.11), dbSNP rs192274713, ClinGen allele CA8271999.

ClinVar aggregate classification (germline): Likely benign. Review status: criteria provided, multiple submitters, no conflicts (2 of 4 stars). 3 submissions from 3 submitters: Likely benign (3). Last evaluated 2025-07-13.

Conditions:
PRPF8-related disorder. Also called: PRPF8-related condition.

Allele frequency attached by ClinVar (database versions not stated): gnomAD exomes 0.00003; ExAC 0.00005; 1000 Genomes Project 30x 0.00016; 1000 Genomes Project 0.00020; TOPMed 0.00002.
gnomAD v4.1: 15 of 1,614,048 alleles (0.00093%); highest among the groups gnomAD compares: Admixed American, 0.01%; no homozygotes.

Submissions (3):

Labcorp Genetics (formerly Invitae), Labcorp
Classification: Likely benign. Last evaluated: 2025-07-13. Review status: criteria provided, single submitter. Criteria: Invitae Variant Classification Sherloc (09022015). Collection method: clinical testing. Allele origin: germline.

PreventionGenetics, part of Exact Sciences
Classification: Likely benign for PRPF8-related condition. Last evaluated: 2025-01-24. Review status: criteria provided, single submitter. Criteria: ACMG Guidelines, 2015. Collection method: clinical testing. Allele origin: germline.
Comment: This variant is classified as likely benign based on ACMG/AMP sequence variant interpretation guidelines (Richards et al. 2015 PMID: 25741868, with internal and published modifications).

Blueprint Genetics
Classification: Likely benign. Last evaluated: 2021-10-19. Review status: criteria provided, single submitter. Criteria: ACMG Guidelines, 2015. Collection method: clinical testing. Allele origin: germline.